The following is an entry in ClinVar:

NM_007118.4(TRIO):c.7181C>A (p.Pro2394His)

Gene: TRIO (trio Rho guanine nucleotide exchange factor; plus strand). Cytogenetic location: 5p15.2.
Variant type: single nucleotide variant.
Coding change: c.7181C>A on transcript NM_007118.4 (MANE Select); coding-DNA position 7181, C replaced by A.
Protein change: p.Pro2394His; replaces proline 2394 with histidine.
Molecular consequence: missense variant.
Genome position (GRCh38, 1-based): chr5:14,487,809, C>A. VCF-style: chr5-14487809-C-A. GRCh37 (hg19) VCF-style: chr5-14487918-C-A.
Other names: short protein forms P2394H.
Identifiers: ClinVar variation 2500411 (VCV002500411.1), dbSNP rs766530950, ClinGen allele CA359236958.
Genomic context (GRCh38, chr5:14,487,809, plus strand): 5'-CCTCCCTGCCTCCCCCTGGCGCGGCCCCCGAGGCCGGCCCCAGCGCGCCCAGCAGGCGGC[C>A]CCCCGGCGCGGACGCCGAGGGGTCCGAGCGAGAAGCGGAGCCGATCCCCAAGATGAAGGT-3'
Protein context (NP_009049.2, residues 2384-2404): EAGPSAPSRR[Pro2394His]PGADAEGSER

ClinVar aggregate classification (germline): Uncertain significance (1 of 4 stars; one submission).

Allele frequency attached by ClinVar (database versions not stated): TOPMed below 0.00001; gnomAD 0.00001.
gnomAD v4.1: 3 of 1,422,628 alleles (0.00021%); highest among the groups gnomAD compares: Non-Finnish European, 0.00028%; no homozygotes.

Submission:

GeneDx
Classification: Uncertain significance. Last evaluated: 2022-10-25. Review status: criteria provided, single submitter. Criteria: GeneDx Variant Classification Process June 2021. Collection method: clinical testing. Allele origin: germline. Affected: yes.
Comment: Not observed at significant frequency in large population cohorts (gnomAD); In silico analysis supports that this missense variant does not alter protein structure/function; Has not been previously published as pathogenic or benign to our knowledge